The following is an entry in ClinVar:

NM_024529.5(CDC73):c.617C>G (p.Thr206Ser)

Gene: CDC73 (cell division cycle 73; plus strand). Cytogenetic location: 1q31.2.
Variant type: single nucleotide variant.
Coding change: c.617C>G on transcript NM_024529.5 (MANE Select); coding-DNA position 617, C replaced by G.
Protein change: p.Thr206Ser; replaces threonine 206 with serine.
Molecular consequence: missense variant.
Genome position (GRCh38, 1-based): chr1:193,141,954, C>G. VCF-style: chr1-193141954-C-G. GRCh37 (hg19) VCF-style: chr1-193111084-C-G.
Other names: short protein forms T206S.
Identifiers: ClinVar variation 2715471 (VCV002715471.3), dbSNP rs2103126240, ClinGen allele CA343962537.

ClinVar aggregate classification (germline): Uncertain significance (1 of 4 stars; one submission).

Conditions:
Parathyroid carcinoma (PRTC). Also called: Parathyroid gland carcinoma; CDC73-Related Parathyroid Carcinoma. Identifiers: Orphanet 143, MedGen C0687150, MONDO:0012004, OMIM 608266, HP:0006780.

Submission:

Labcorp Genetics (formerly Invitae), Labcorp
Classification: Uncertain significance for Parathyroid carcinoma. Last evaluated: 2023-04-10. Review status: criteria provided, single submitter. Criteria: Invitae Variant Classification Sherloc (09022015). Collection method: clinical testing. Allele origin: germline.
Comment: This variant has not been reported in the literature in individuals affected with CDC73-related conditions. In summary, the available evidence is currently insufficient to determine the role of this variant in disease. Therefore, it has been classified as a Variant of Uncertain Significance. Advanced modeling of protein sequence and biophysical properties (such as structural, functional, and spatial information, amino acid conservation, physicochemical variation, residue mobility, and thermodynamic stability) performed at Invitae indicates that this missense variant is not expected to disrupt CDC73 protein function. This variant is not present in population databases (gnomAD no frequency). This sequence change replaces threonine, which is neutral and polar, with serine, which is neutral and polar, at codon 206 of the CDC73 protein (p.Thr206Ser).